The following is an entry in ClinVar:

NM_001375380.1(EBF3):c.1373-10dup

Gene: EBF3 (EBF transcription factor 3; minus strand). Cytogenetic location: 10q26.3.
Variant type: Duplication.
Coding change: c.1373-10dup on transcript NM_001375380.1 (MANE Select); 10 bases into the intron before coding-DNA position 1373, one base duplicated (A; older notation c.1373-10dupA).
Molecular consequence: intron variant.
Genome position (GRCh38, 1-based): chr10:129,841,042, T duplicated on the plus strand (A on the coding strand, the reverse complement: EBF3 is on the minus strand). VCF-style (leftmost placement, unchanged base first): chr10-129841041-A-AT. GRCh37 (hg19) VCF-style: chr10-131639305-A-AT.
Other names: c.1346-600dup (NM_001375392.1); c.1346-10dup (NM_001005463.3, NM_001375390.1); c.1373-10dup (NM_001375391.1, NM_001375389.1, NM_001375379.1); c.1346-10dupA (NM_001005463.3).
Identifiers: ClinVar variation 4688654 (VCV004688654.1).

ClinVar aggregate classification (germline): Likely benign (1 of 4 stars; one submission).

Submission:

Women's Health and Genetics/Laboratory Corporation of America, LabCorp
Classification: Likely benign. Last evaluated: 2025-12-02. Review status: criteria provided, single submitter. Criteria: LabCorp Variant Classification Summary - May 2015. Collection method: clinical testing. Allele origin: germline.
Comment: Variant summary: EBF3 c.1346-10dupA alters a nucleotide located at a position not widely known to affect splicing. Consensus agreement among computation tools predict no significant impact on normal splicing. However, these predictions have yet to be confirmed by functional studies. The frequency data for this variant in gnomAD is considered unreliable, as metrics indicate poor data quality at this position. To our knowledge, no occurrence of c.1346-10dupA in individuals affected with EBF3-related conditions and no experimental evidence demonstrating its impact on protein function have been reported. No submitters have cited clinical-significance assessments for this variant to ClinVar. Based on the evidence outlined above, the variant was classified as likely benign.